The following is an entry in ClinVar:

ClinVar aggregate classification (germline): Uncertain significance (1 of 4 stars; one submission).

Conditions:
Severe early-onset pulmonary alveolar proteinosis due to MARS deficiency. Also called: PULMONARY ALVEOLAR PROTEINOSIS, REUNION ISLAND; Interstitial lung and liver disease. Identifiers: Orphanet 440427, MedGen C4225400, MONDO:0014206, OMIM 615486.
Charcot-Marie-Tooth disease axonal type 2U. Also called: CHARCOT-MARIE-TOOTH NEUROPATHY, TYPE 2U; CHARCOT-MARIE-TOOTH DISEASE, AXONAL, AUTOSOMAL DOMINANT, TYPE 2U. Identifiers: Orphanet 397735, MedGen C4084821, MONDO:0014566, OMIM 616280.

gnomAD v4.1: 14 of 1,614,168 alleles (0.00087%); highest among the groups gnomAD compares: East Asian, 0.0022%; no homozygotes.

Submission:

Labcorp Genetics (formerly Invitae), Labcorp
Classification: Uncertain significance for Charcot-Marie-Tooth disease axonal type 2U; Severe early-onset pulmonary alveolar proteinosis due to MARS deficiency. Last evaluated: 2025-11-02. Review status: criteria provided, single submitter. Criteria: Invitae Variant Classification Sherloc (09022015). Collection method: clinical testing. Allele origin: germline.
Comment: This sequence change replaces proline, which is neutral and non-polar, with leucine, which is neutral and non-polar, at codon 94 of the MARS protein (p.Pro94Leu). This variant is present in population databases (no rsID available, gnomAD 0.003%). This variant has not been reported in the literature in individuals affected with MARS-related conditions. An algorithm developed to predict the effect of missense changes on protein structure and function (PolyPhen-2) suggests that this variant is likely to be disruptive. In summary, the available evidence is currently insufficient to determine the role of this variant in disease. Therefore, it has been classified as a Variant of Uncertain Significance.

NM_004990.4(MARS1):c.281C>T (p.Pro94Leu)

Gene: MARS1 (methionyl-tRNA synthetase 1; plus strand). Cytogenetic location: 12q13.3.
Variant type: single nucleotide variant.
Coding change: c.281C>T on transcript NM_004990.4 (MANE Select); coding-DNA position 281, C replaced by T.
Protein change: p.Pro94Leu; replaces proline 94 with leucine.
Molecular consequence: missense variant.
Genome position (GRCh38, 1-based): chr12:57,489,425, C>T. VCF-style: chr12-57489425-C-T. GRCh37 (hg19) VCF-style: chr12-57883208-C-T.
Other names: short protein forms P94L.
Identifiers: ClinVar variation 4788116 (VCV004788116.1).
Genomic context (GRCh38, chr12:57,489,425, plus strand): 5'-GATGTCAGGCAGGCCCTTGTTCTGCGTGGCCATCCTGACTCATGTCCCCTGCATTTTAGC[C>T]AGCTTTGTCTGCTGCCCTGTACTATTTAGTGGTCCAAGGCAAGAAGGGGGAAGATGTTCT-3'
Protein context (NP_004981.2, residues 84-104): WLEWEATELQ[Pro94Leu]ALSAALYYLV